The following is an entry in ClinVar:

ClinVar aggregate classification (germline): Uncertain significance (1 of 4 stars; one submission).

Conditions:
Cardiomyopathy (CMYO). Also called: Cardiomyopathies. Identifiers: Orphanet 167848, MedGen C0878544, MONDO:0004994, HP:0001638. Inheritance: Various modes of inheritance.

Submission:

Color Diagnostics, LLC DBA Color Health
Classification: Uncertain significance for Cardiomyopathy. Last evaluated: 2025-08-14. Review status: criteria provided, single submitter. Criteria: ACMG Guidelines, 2015. Collection method: clinical testing. Allele origin: germline.
Comment: This missense variant replaces glycine with arginine at codon 2799 of the DSP protein. Computational prediction is inconclusive regarding the impact of this variant on protein structure and function. To our knowledge, functional studies have not been reported for this variant. This variant has not been reported in individuals affected with DSP-related disorders in the literature. This variant has not been identified in the general population by the Genome Aggregation Database (gnomAD). The available evidence is insufficient to determine the role of this variant in disease conclusively. Therefore, this variant is classified as a Variant of Uncertain Significance.

NM_004415.4(DSP):c.8395G>C (p.Gly2799Arg)

Gene: DSP (desmoplakin; plus strand). Cytogenetic location: 6p24.3.
Variant type: single nucleotide variant.
Coding change: c.8395G>C on transcript NM_004415.4 (MANE Select); coding-DNA position 8395, G replaced by C.
Protein change: p.Gly2799Arg; replaces glycine 2799 with arginine.
Molecular consequence: missense variant.
Genome position (GRCh38, 1-based): chr6:7,585,657, G>C. VCF-style: chr6-7585657-G-C. GRCh37 (hg19) VCF-style: chr6-7585890-G-C.
Other names: c.6598G>C, p.Gly2200Arg (NM_001008844.3); c.7066G>C, p.Gly2356Arg (NM_001319034.2); short protein forms G2200R, G2356R, G2799R.
Identifiers: ClinVar variation 4757895 (VCV004757895.1).